The following is an entry in ClinVar:

NM_139319.3(SLC17A8):c.54G>A (p.Lys18=)

Gene: SLC17A8 (solute carrier family 17 member 8; plus strand). Cytogenetic location: 12q23.1.
Variant type: single nucleotide variant.
Coding change: c.54G>A on transcript NM_139319.3 (MANE Select); coding-DNA position 54, G replaced by A.
Protein change: p.Lys18=; no amino-acid change (lysine 18 retained).
Molecular consequence: synonymous variant.
Genome position (GRCh38, 1-based): chr12:100,357,445, G>A. VCF-style: chr12-100357445-G-A. GRCh37 (hg19) VCF-style: chr12-100751223-G-A.
Other names: c.54G>A, p.Lys18= (NM_001145288.2).
Identifiers: ClinVar variation 47884 (VCV000047884.21), dbSNP rs11568528, ClinGen allele CA142099.

ClinVar aggregate classification (germline): Benign. Review status: criteria provided, multiple submitters, no conflicts (2 of 4 stars). 7 submissions from 7 submitters: Benign (7). Last evaluated 2026-01-27.

Conditions:
Autosomal dominant nonsyndromic hearing loss 25. Identifiers: Orphanet 90635, MedGen C1854158, MONDO:0011568, OMIM 605583.

Allele frequency attached by ClinVar (database versions not stated): gnomAD exomes 0.00083 and 0.00245; ExAC 0.00296; 1000 Genomes Project 0.00879; 1000 Genomes Project 30x 0.00890; gnomAD 0.00910 and 0.00987; TOPMed 0.01103; ESP Exome Variant Server 0.01192.
gnomAD v4.1: 2,643 of 1,613,994 alleles (0.16%); highest among the groups gnomAD compares: African/African-American, 3.1%; 38 homozygotes.

Submissions (7):

Labcorp Genetics (formerly Invitae), Labcorp
Classification: Benign. Last evaluated: 2026-01-27. Review status: criteria provided, single submitter. Criteria: Invitae Variant Classification Sherloc (09022015). Collection method: clinical testing. Allele origin: germline.

Fulgent Genetics
Classification: Benign for Autosomal dominant nonsyndromic hearing loss 25. Last evaluated: 2021-09-08. Review status: criteria provided, single submitter. Criteria: ACMG Guidelines, 2015. Collection method: clinical testing. Allele origin: unknown.

GeneDx
Classification: Benign. Last evaluated: 2018-01-15. Review status: criteria provided, single submitter. Criteria: GeneDx Variant Classification (06012015). Collection method: clinical testing. Allele origin: germline. Affected: yes.
Comment: This variant is considered likely benign or benign based on one or more of the following criteria: it is a conservative change, it occurs at a poorly conserved position in the protein, it is predicted to be benign by multiple in silico algorithms, and/or has population frequency not consistent with disease.

Illumina Laboratory Services, Illumina
Classification: Benign for Autosomal dominant nonsyndromic hearing loss 25. Last evaluated: 2018-01-13. Review status: criteria provided, single submitter. Criteria: ICSL Variant Classification Criteria 13 December 2019. Collection method: clinical testing. Allele origin: germline.
Comment: This variant was observed in the ICSL laboratory as part of a predisposition screen in an ostensibly healthy population. It had not been previously curated by ICSL or reported in the Human Gene Mutation Database (HGMD: prior to June 1st, 2018), and was therefore a candidate for classification through an automated scoring system. Utilizing variant allele frequency, disease prevalence and penetrance estimates, and inheritance mode, an automated score was calculated to assess if this variant is too frequent to cause the disease. Based on the score and internal cut-off values, a variant classified as benign is not then subjected to further curation. The score for this variant resulted in a classification of benign for this disease.

Laboratory for Molecular Medicine, Mass General Brigham Personalized Medicine
Classification: Benign. Last evaluated: 2012-05-07. Review status: criteria provided, single submitter. Criteria: LMM Criteria. Collection method: clinical testing. Allele origin: germline. Observed: 7 variant alleles.
Comment: "Lys18Lys in Exon 01 of SLC17A8: This variant is not expected to have clinical s ignificance because it does not alter an amino acid residue, is not located with in the splice consensus sequence, and has been identified in 3.2% (121/3738) of African American chromosomes from a broad population by the NHLBI Exome Sequenci ng Project (dbSNP rs11568528)."

Breakthrough Genomics
Classification: Benign. Review status: criteria provided, single submitter. Criteria: ACMG Guidelines, 2015. Collection method: not provided. Allele origin: germline. Inheritance: Autosomal dominant inheritance. Affected: yes.

PreventionGenetics, part of Exact Sciences
Classification: Benign. Review status: criteria provided, single submitter. Criteria: ACMG Guidelines, 2015. Collection method: clinical testing. Allele origin: germline.